The following is an entry in ClinVar:

ClinVar aggregate classification (germline): Benign (1 of 4 stars; one submission).

Conditions:
ADGRE2-related disorder. Also called: ADGRE2-related condition.

Allele frequency attached by ClinVar (database versions not stated): gnomAD exomes 0.07813; gnomAD 0.21154; 1000 Genomes Project 0.34804; 1000 Genomes Project 30x 0.47096.
gnomAD v4.1: 79,451 of 897,522 alleles (8.9%); highest among the groups gnomAD compares: African/African-American, 25%; 30,188 homozygotes.

Submission:

PreventionGenetics, part of Exact Sciences
Classification: Benign for ADGRE2-related condition. Last evaluated: 2019-10-28. Review status: criteria provided, single submitter. Criteria: ACMG Guidelines, 2015. Collection method: clinical testing. Allele origin: germline.
Comment: This variant is classified as benign based on ACMG/AMP sequence variant interpretation guidelines (Richards et al. 2015 PMID: 25741868, with internal and published modifications).

NM_013447.4(ADGRE2):c.420C>T (p.Leu140=)

Gene: ADGRE2 (adhesion G protein-coupled receptor E2; minus strand). Cytogenetic location: 19p13.12.
Variant type: single nucleotide variant.
Coding change: c.420C>T on transcript NM_013447.4 (MANE Select); coding-DNA position 420, C replaced by T.
Protein change: p.Leu140=; no amino-acid change (leucine 140 retained).
Molecular consequence: synonymous variant. On other transcripts: intron variant (1).
Genome position (GRCh38, 1-based): chr19:14,767,045, G>A on the plus strand (C>T on the coding strand, the complement: ADGRE2 is on the minus strand). VCF-style: chr19-14767045-G-A. GRCh37 (hg19) VCF-style: chr19-14877857-G-A.
Other names: c.420C>T, p.Leu140= (NM_001271052.1, NM_152916.2); c.356-1241C>T (NM_152917.2).
Identifiers: ClinVar variation 3060873 (VCV003060873.1), dbSNP rs10418770, ClinGen allele CA9258182.